The following is an entry in ClinVar:

NM_006904.7(PRKDC):c.10192C>A (p.Pro3398Thr)

Gene: PRKDC (protein kinase, DNA-activated, catalytic subunit; minus strand). Cytogenetic location: 8q11.21.
Variant type: single nucleotide variant.
Coding change: c.10192C>A on transcript NM_006904.7 (MANE Select); coding-DNA position 10192, C replaced by A.
Protein change: p.Pro3398Thr; replaces proline 3398 with threonine.
Molecular consequence: missense variant.
Genome position (GRCh38, 1-based): chr8:47,799,315, G>T on the plus strand (C>A on the coding strand, the complement: PRKDC is on the minus strand). VCF-style: chr8-47799315-G-T. GRCh37 (hg19) VCF-style: chr8-48711876-G-T.
Other names: c.10192C>A, p.Pro3398Thr (NM_001081640.2); short protein forms P3398T.
Identifiers: ClinVar variation 1751577 (VCV001751577.2), dbSNP rs2087049268, ClinGen allele CA371135355.

ClinVar aggregate classification (germline): Uncertain significance (1 of 4 stars; one submission).

Submission:

Ambry Genetics
Classification: Uncertain significance. Last evaluated: 2021-12-04. Review status: criteria provided, single submitter. Criteria: Ambry Variant Classification Scheme 2023. Collection method: clinical testing. Allele origin: germline.
Comment: The p.P3398T variant (also known as c.10192C>A), located in coding exon 72 of the PRKDC gene, results from a C to A substitution at nucleotide position 10192. The proline at codon 3398 is replaced by threonine, an amino acid with highly similar properties. This amino acid position is conserved. In addition, this alteration is predicted to be tolerated by in silico analysis. Since supporting evidence is limited at this time, the clinical significance of this alteration remains unclear.